The following is an entry in ClinVar:

ClinVar aggregate classification (germline): Uncertain significance (1 of 4 stars; one submission).

Conditions:
Immunodeficiency 132A. Also called: Herpes simplex encephalitis, susceptibility to, 3. Identifiers: Orphanet 1930, MedGen C3553868, MONDO:0013920, OMIM 614849.

Submission:

Labcorp Genetics (formerly Invitae), Labcorp
Classification: Uncertain significance for Immunodeficiency 132A. Last evaluated: 2019-12-19. Review status: criteria provided, single submitter. Criteria: Invitae Variant Classification Sherloc (09022015). Collection method: clinical testing. Allele origin: germline.
Comment: In summary, the available evidence is currently insufficient to determine the role of this variant in disease. Therefore, it has been classified as a Variant of Uncertain Significance. Algorithms developed to predict the effect of missense changes on protein structure and function are either unavailable or do not agree on the potential impact of this missense change (SIFT: "Deleterious"; PolyPhen-2: "Benign"; Align-GVGD: "Class C0"). This variant has not been reported in the literature in individuals with TRAF3-related conditions. This variant is not present in population databases (ExAC no frequency). This sequence change replaces cysteine with phenylalanine at codon 199 of the TRAF3 protein (p.Cys199Phe). The cysteine residue is highly conserved and there is a large physicochemical difference between cysteine and phenylalanine.

NM_145725.3(TRAF3):c.596G>T (p.Cys199Phe)

Genes: TRAF3 (TNF receptor associated factor 3; plus strand), LOC126862065 (BRD4-independent group 4 enhancer GRCh37_chr14:103352003-103353202; plus strand). Cytogenetic location: 14q32.32.
Variant type: single nucleotide variant.
Coding change: c.596G>T on transcript NM_145725.3 (MANE Select); coding-DNA position 596, G replaced by T.
Protein change: p.Cys199Phe; replaces cysteine 199 with phenylalanine.
Molecular consequence: missense variant. On other transcripts: intron variant (2).
Genome position (GRCh38, 1-based): chr14:102,886,214, G>T. VCF-style: chr14-102886214-G-T. GRCh37 (hg19) VCF-style: chr14-103352551-G-T.
Other names: c.596G>T, p.Cys199Phe (NM_001385142.1, NM_003300.4, NM_145726.3); c.571-3346G>T (NM_001385143.1); c.570+9689G>T (NM_001199427.2); short protein forms C199F.
Identifiers: ClinVar variation 862976 (VCV000862976.13), dbSNP rs1889374299, ClinGen allele CA391071536.
Genomic context (GRCh38, chr14:102,886,214, plus strand): 5'-GTGTTTAAAGTTGATAGTACTTTCTCTCTCTGTAGAAACACGAAGACACCGACTGTCCCT[G>T]CGTGGTGGTGTCCTGCCCTCACAAGTGCAGCGTCCAGACTCTCCTGAGGAGCGAGGTAGG-3'
Protein context (NP_663777.1, residues 189-209): LQKHEDTDCP[Cys199Phe]VVVSCPHKCS